The following is an entry in ClinVar:

NM_005419.4(STAT2):c.256A>T (p.Asn86Tyr)

Gene: STAT2 (signal transducer and activator of transcription 2; minus strand). Cytogenetic location: 12q13.3.
Variant type: single nucleotide variant.
Coding change: c.256A>T on transcript NM_005419.4 (MANE Select); coding-DNA position 256, A replaced by T.
Protein change: p.Asn86Tyr; replaces asparagine 86 with tyrosine.
Molecular consequence: missense variant.
Genome position (GRCh38, 1-based): chr12:56,356,161, T>A on the plus strand (A>T on the coding strand, the complement: STAT2 is on the minus strand). VCF-style: chr12-56356161-T-A. GRCh37 (hg19) VCF-style: chr12-56749945-T-A.
Other names: c.256A>T, p.Asn86Tyr (NM_001385110.1, NM_001385111.1, NM_001385113.1 and 3 more transcripts); short protein forms N86Y.
Identifiers: ClinVar variation 2051840 (VCV002051840.4), dbSNP rs2547269620, ClinGen allele CA385263754.

ClinVar aggregate classification (germline): Uncertain significance (1 of 4 stars; one submission).

Conditions:
Primary immunodeficiency with post-measles-mumps-rubella vaccine viral infection. Also called: Immunodeficiency 44. Identifiers: Orphanet 431166, MedGen C4225260, MONDO:0014715, OMIM 616636.

Submission:

Labcorp Genetics (formerly Invitae), Labcorp
Classification: Uncertain significance for Primary immunodeficiency with post-measles-mumps-rubella vaccine viral infection. Last evaluated: 2021-12-21. Review status: criteria provided, single submitter. Criteria: Invitae Variant Classification Sherloc (09022015). Collection method: clinical testing. Allele origin: germline.
Comment: In summary, the available evidence is currently insufficient to determine the role of this variant in disease. Therefore, it has been classified as a Variant of Uncertain Significance. Advanced modeling of protein sequence and biophysical properties (such as structural, functional, and spatial information, amino acid conservation, physicochemical variation, residue mobility, and thermodynamic stability) performed at Invitae indicates that this missense variant is expected to disrupt STAT2 protein function. This variant has not been reported in the literature in individuals affected with STAT2-related conditions. This variant is not present in population databases (gnomAD no frequency). This sequence change replaces asparagine, which is neutral and polar, with tyrosine, which is neutral and polar, at codon 86 of the STAT2 protein (p.Asn86Tyr).